The following is an entry in ClinVar:

ClinVar aggregate classification (germline): Conflicting classifications of pathogenicity. Review status: criteria provided, conflicting classifications (1 of 4 stars). 2 submissions from 2 submitters: Uncertain significance (1); Likely benign (1). Last evaluated 2025-12-22.

Conditions:
T-B+ severe combined immunodeficiency due to JAK3 deficiency. Also called: SCID, autosomal recessive, T-negative/B-positive type; SCID, T CELL-NEGATIVE, B CELL-POSITIVE, NK CELL-NEGATIVE. Identifiers: Orphanet 35078, MedGen C1833275, MONDO:0010938, OMIM 600802.

Allele frequency attached by ClinVar (database versions not stated): gnomAD exomes 0.00001; TOPMed 0.00001.
gnomAD v4.1: 8 of 1,613,554 alleles (0.0005%); highest among the groups gnomAD compares: Non-Finnish European, 0.00059%; no homozygotes.

Submissions (2):

Labcorp Genetics (formerly Invitae), Labcorp
Classification: Likely benign for T-B+ severe combined immunodeficiency due to JAK3 deficiency. Last evaluated: 2025-12-22. Review status: criteria provided, single submitter. Criteria: Invitae Variant Classification Sherloc (09022015). Collection method: clinical testing. Allele origin: germline.

GeneDx
Classification: Uncertain significance. Last evaluated: 2016-12-07. Review status: criteria provided, single submitter. Criteria: GeneDx Variant Classification (06012015). Collection method: clinical testing. Allele origin: germline. Affected: yes.
Comment: The c.2358 G>A variant in the JAK3 gene has not been published as a pathogenic variant, nor has it been reported as a benign variant to our knowledge. The variant was not observed in approximately 6,500 individuals of European and African American ancestry in the NHLBI Exome Sequencing Project, indicating it is not a common benign variant in these populations. The variant is a synonymous variant and does not affect the JAK3 protein sequence. However, this substitution occurs at a nucleotide that is conserved across species, and several in-silico splice prediction models predict that c.2358 G>A creates a cryptic acceptor site which may supplant the natural acceptor site and lead to abnormal gene splicing. In the absence of RNA/functional studies, the actual effect of this sequence change is unknown. Therefore, based on the currently available information, it is unclear whether this variant is a pathogenic variant or a rare benign variant.

NM_000215.4(JAK3):c.2358G>A (p.Glu786=)

Gene: JAK3 (Janus kinase 3; minus strand). Cytogenetic location: 19p13.11.
Variant type: single nucleotide variant.
Coding change: c.2358G>A on transcript NM_000215.4 (MANE Select); coding-DNA position 2358, G replaced by A.
Protein change: p.Glu786=; no amino-acid change (glutamic acid 786 retained).
Molecular consequence: synonymous variant.
Genome position (GRCh38, 1-based): chr19:17,832,922, C>T on the plus strand (G>A on the coding strand, the complement: JAK3 is on the minus strand). VCF-style: chr19-17832922-C-T. GRCh37 (hg19) VCF-style: chr19-17943731-C-T.
Identifiers: ClinVar variation 373673 (VCV000373673.8), dbSNP rs1057518544, ClinGen allele CA16043078.
Genomic context (GRCh38, chr19:17,832,922, plus strand): 5'-GGCACCATTCCACAGCCCATCACGAGGTGCCAGGGCACCAGGTGTGGGGTCTGAGAGGAG[C>T]TCATAGTCTGGGGTGGGGGCATGGGCAGTGGTAAGCAGCGCCTCTCATCCTGGGCCCCAC-3'
Protein context (NP_000206.2, residues 776-796): DLNSLISSDY[Glu786=]LLSDPTPGAL